The following is an entry in ClinVar:

ClinVar aggregate classification (germline): Uncertain significance (1 of 4 stars; one submission).

Conditions:
Amyotrophic lateral sclerosis type 1 (ALS1). Also called: AMYOTROPHIC LATERAL SCLEROSIS 1, FAMILIAL. Identifiers: Orphanet 803, MedGen C1862939, MONDO:0007103, OMIM 105400.
Perry syndrome. Also called: PARKINSONISM WITH ALVEOLAR HYPOVENTILATION AND MENTAL DEPRESSION. Identifiers: Orphanet 178509, MedGen C1868594, MONDO:0008201, OMIM 168605.
Neuronopathy, distal hereditary motor, type 7B. Also called: HMN VIIB; LOWER MOTOR NEURON DISEASE, DYNACTIN TYPE; NEURONOPATHY, DISTAL HEREDITARY MOTOR, AUTOSOMAL DOMINANT 14; NEURONOPATHY, DISTAL HEREDITARY MOTOR, HARDING TYPE VIIB; NEUROPATHY, DISTAL HEREDITARY MOTOR, HARDING TYPE VIIB; NEUROPATHY, DISTAL HEREDITARY MOTOR, WITH VOCAL CORD PARALYSIS, HARDING TYPE VIIB. Identifiers: Orphanet 139589, MedGen C1843315, MONDO:0011879, OMIM 607641.

Allele frequency attached by ClinVar (database versions not stated): ExAC 0.00002.
gnomAD v4.1: 8 of 1,612,202 alleles (0.0005%); highest among the groups gnomAD compares: South Asian, 0.0033%; no homozygotes.

Submission:

Labcorp Genetics (formerly Invitae), Labcorp
Classification: Uncertain significance for Amyotrophic lateral sclerosis type 1; Neuronopathy, distal hereditary motor, type 7B; Perry syndrome. Last evaluated: 2022-08-07. Review status: criteria provided, single submitter. Criteria: Invitae Variant Classification Sherloc (09022015). Collection method: clinical testing. Allele origin: germline.
Comment: In summary, the available evidence is currently insufficient to determine the role of this variant in disease. Therefore, it has been classified as a Variant of Uncertain Significance. Algorithms developed to predict the effect of missense changes on protein structure and function are either unavailable or do not agree on the potential impact of this missense change (SIFT: "Deleterious"; PolyPhen-2: "Benign"; Align-GVGD: "Class C0"). ClinVar contains an entry for this variant (Variation ID: 1464058). This variant has not been reported in the literature in individuals affected with DCTN1-related conditions. This variant is present in population databases (rs781290307, gnomAD 0.007%). This sequence change replaces arginine, which is basic and polar, with glycine, which is neutral and non-polar, at codon 143 of the DCTN1 protein (p.Arg143Gly).

NM_004082.5(DCTN1):c.427C>G (p.Arg143Gly)

Gene: DCTN1 (dynactin subunit 1; minus strand). Cytogenetic location: 2p13.1.
Variant type: single nucleotide variant.
Coding change: c.427C>G on transcript NM_004082.5 (MANE Select); coding-DNA position 427, C replaced by G.
Protein change: p.Arg143Gly; replaces arginine 143 with glycine.
Molecular consequence: missense variant. On other transcripts: intron variant (3).
Genome position (GRCh38, 1-based): chr2:74,374,328, G>C on the plus strand (C>G on the coding strand, the complement: DCTN1 is on the minus strand). VCF-style: chr2-74374328-G-C. GRCh37 (hg19) VCF-style: chr2-74601455-G-C.
Other names: c.25C>G, p.Arg9Gly (NM_001135041.3, NM_023019.4); c.406C>G, p.Arg136Gly (NM_001190837.2); c.376C>G, p.Arg126Gly (NM_001378991.1); c.343-2600C>G (NM_001190836.2); c.364-1380C>G (NM_001378992.1); c.394-2600C>G (NM_001135040.3); short protein forms R9G, R136G, R143G, R126G.
Identifiers: ClinVar variation 1464058 (VCV001464058.6), dbSNP rs781290307, ClinGen allele CA1722467.